The following is an entry in ClinVar:

ClinVar aggregate classification (germline): Uncertain significance (1 of 4 stars; one submission).

Allele frequency attached by ClinVar (database versions not stated): ExAC 0.00003; gnomAD exomes 0.00003 and 0.00005; TOPMed 0.00005; gnomAD 0.00007 and 0.00008.
gnomAD v4.1: 78 of 1,569,662 alleles (0.005%); highest among the groups gnomAD compares: Non-Finnish European, 0.0061%; no homozygotes.

Submission:

Labcorp Genetics (formerly Invitae), Labcorp
Classification: Uncertain significance. Last evaluated: 2025-12-03. Review status: criteria provided, single submitter. Criteria: Invitae Variant Classification Sherloc (09022015). Collection method: clinical testing. Allele origin: germline.
Comment: This sequence change replaces arginine, which is basic and polar, with glutamine, which is neutral and polar, at codon 2892 of the DCHS1 protein (p.Arg2892Gln). This variant is present in population databases (rs781273126, gnomAD 0.008%). This variant has not been reported in the literature in individuals affected with DCHS1-related conditions. ClinVar contains an entry for this variant (Variation ID: 1437870). Invitae Evidence Modeling of protein sequence and biophysical properties (such as structural, functional, and spatial information, amino acid conservation, physicochemical variation, residue mobility, and thermodynamic stability) has been performed for this missense variant. However, the output from this modeling did not meet the statistical confidence thresholds required to predict the impact of this variant on DCHS1 protein function. In summary, the available evidence is currently insufficient to determine the role of this variant in disease. Therefore, it has been classified as a Variant of Uncertain Significance.

NM_003737.4(DCHS1):c.8675G>A (p.Arg2892Gln)

Gene: DCHS1 (dachsous cadherin-related 1; minus strand). Cytogenetic location: 11p15.4.
Variant type: single nucleotide variant.
Coding change: c.8675G>A on transcript NM_003737.4 (MANE Select); coding-DNA position 8675, G replaced by A.
Protein change: p.Arg2892Gln; replaces arginine 2892 with glutamine.
Molecular consequence: missense variant.
Genome position (GRCh38, 1-based): chr11:6,623,001, C>T on the plus strand (G>A on the coding strand, the complement: DCHS1 is on the minus strand). VCF-style: chr11-6623001-C-T. GRCh37 (hg19) VCF-style: chr11-6644232-C-T.
Other names: short protein forms R2892Q.
Identifiers: ClinVar variation 1437870 (VCV001437870.6), dbSNP rs781273126, ClinGen allele CA5859378.